The following is an entry in ClinVar:

ClinVar aggregate classification (germline): Conflicting classifications of pathogenicity. Review status: criteria provided, conflicting classifications (1 of 4 stars). 2 submissions from 2 submitters: Uncertain significance (1); Likely benign (1). Last evaluated 2025-09-26.

Allele frequency attached by ClinVar (database versions not stated): gnomAD exomes below 0.00001; gnomAD 0.00001; TOPMed 0.00001.
gnomAD v4.1: 3 of 1,613,984 alleles (0.00019%); highest among the groups gnomAD compares: African/African-American, 0.004%; no homozygotes.

Submissions (2):

Ambry Genetics
Classification: Likely benign. Last evaluated: 2025-09-26. Review status: criteria provided, single submitter. Criteria: Ambry Variant Classification Scheme 2023. Collection method: clinical testing. Allele origin: germline.

Labcorp Genetics (formerly Invitae), Labcorp
Classification: Uncertain significance. Last evaluated: 2023-12-10. Review status: criteria provided, single submitter. Criteria: Invitae Variant Classification Sherloc (09022015). Collection method: clinical testing. Allele origin: germline.
Comment: This sequence change replaces glycine, which is neutral and non-polar, with glutamic acid, which is acidic and polar, at codon 484 of the NPAT protein (p.Gly484Glu). This variant is present in population databases (no rsID available, gnomAD 0.008%). This variant has not been reported in the literature in individuals affected with NPAT-related conditions. ClinVar contains an entry for this variant (Variation ID: 1772964). Algorithms developed to predict the effect of missense changes on protein structure and function output the following: SIFT: "Not Available"; PolyPhen-2: "Benign"; Align-GVGD: "Not Available". The glutamic acid amino acid residue is found in multiple mammalian species, which suggests that this missense change does not adversely affect protein function. In summary, the available evidence is currently insufficient to determine the role of this variant in disease. Therefore, it has been classified as a Variant of Uncertain Significance.

NM_002519.3(NPAT):c.1451G>A (p.Gly484Glu)

Gene: NPAT (nuclear protein, coactivator of histone transcription; minus strand). Cytogenetic location: 11q22.3.
Variant type: single nucleotide variant.
Coding change: c.1451G>A on transcript NM_002519.3 (MANE Select); coding-DNA position 1451, G replaced by A.
Protein change: p.Gly484Glu; replaces glycine 484 with glutamic acid.
Molecular consequence: missense variant.
Genome position (GRCh38, 1-based): chr11:108,173,533, C>T on the plus strand (G>A on the coding strand, the complement: NPAT is on the minus strand). VCF-style: chr11-108173533-C-T. GRCh37 (hg19) VCF-style: chr11-108044260-C-T.
Other names: c.1451G>A, p.Gly484Glu (NM_001321307.1); short protein forms G484E.
Identifiers: ClinVar variation 1772964 (VCV001772964.6), dbSNP rs1179164891, ClinGen allele CA382515188.